The following is an entry in ClinVar:

ClinVar aggregate classification (germline): Pathogenic/Likely pathogenic. Review status: criteria provided, multiple submitters, no conflicts (2 of 4 stars). 4 submissions from 4 submitters: Pathogenic (3); Likely pathogenic (1). Last evaluated 2025-09-23.

Conditions:
Inborn genetic diseases. Identifiers: MedGen C0950123, MeSH D030342.
Cerebellar dysfunction with variable cognitive and behavioral abnormalities (CECBA). Also called: Nonprogressive cerebellar atxia with intellectual disability. Identifiers: Orphanet 314647, MedGen C3553661, MONDO:0013886, OMIM 614756.

Submissions (4):

Ambry Genetics
Classification: Pathogenic for Inborn genetic diseases. Last evaluated: 2025-09-23. Review status: criteria provided, single submitter. Criteria: Ambry Variant Classification Scheme 2023. Collection method: clinical testing. Allele origin: germline.
Comment: The c.4744C>T (p.R1582*) alteration, located in exon 20 (coding exon 20) of the CAMTA1 gene, consists of a C to T substitution at nucleotide position 4744. This changes the amino acid from an arginine (R) to a stop codon at amino acid position 1582. This alteration is expected to result in loss of function by premature protein truncation or nonsense-mediated mRNA decay. This variant was not reported in population-based cohorts in the Genome Aggregation Database (gnomAD). Based on the available evidence, this alteration is classified as pathogenic.

Institute of Human Genetics, University of Leipzig Medical Center
Classification: Pathogenic for Cerebellar dysfunction with variable cognitive and behavioral abnormalities. Last evaluated: 2025-06-12. Review status: criteria provided, single submitter. Criteria: ACMG Guidelines, 2015. Collection method: clinical testing. Allele origin: maternal. Inheritance: Autosomal dominant inheritance. Affected: yes.
Comment: Criteria applied: PVS1,PM2,PS4_MOD.

GeneDx
Classification: Pathogenic. Last evaluated: 2025-05-25. Review status: criteria provided, single submitter. Criteria: GeneDx Variant Classification Process June 2021. Collection method: clinical testing. Allele origin: germline. Affected: yes.
Comment: Not observed at significant frequency in large population cohorts (gnomAD); Has not been previously published as pathogenic or benign to our knowledge; Nonsense variant predicted to result in protein truncation or nonsense mediated decay in a gene for which loss of function is a known mechanism of disease

Greenwood Genetic Center Diagnostic Laboratories, Greenwood Genetic Center
Classification: Likely pathogenic for Cerebellar dysfunction with variable cognitive and behavioral abnormalities. Last evaluated: 2021-04-29. Review status: criteria provided, single submitter. Criteria: ACMG Guidelines, 2015. Collection method: clinical testing. Allele origin: germline. Affected: yes.
Comment: PVS1, PM2

NM_015215.4(CAMTA1):c.4744C>T (p.Arg1582Ter)

Gene: CAMTA1 (calmodulin binding transcription activator 1; plus strand). Cytogenetic location: 1p36.23.
Variant type: single nucleotide variant.
Coding change: c.4744C>T on transcript NM_015215.4 (MANE Select); coding-DNA position 4744, C replaced by T.
Protein change: p.Arg1582Ter; replaces arginine 1582 with a stop codon.
Molecular consequence: nonsense.
Genome position (GRCh38, 1-based): chr1:7,751,253, C>T. VCF-style: chr1-7751253-C-T. GRCh37 (hg19) VCF-style: chr1-7811313-C-T.
Other names: c.1816C>T, p.Arg606Ter (NM_001349618.2, NM_001349617.1); c.1498C>T, p.Arg500Ter (NM_001349619.2, NM_001349620.1, NM_001349621.1 and 1 more transcripts); c.1477C>T, p.Arg493Ter (NM_001349623.1, NM_001349624.3, NM_001349625.2 and 1 more transcripts); c.4654C>T, p.Arg1552Ter (NM_001349608.2); c.4426C>T, p.Arg1476Ter (NM_001349609.2, NM_001349610.2); c.4336C>T, p.Arg1446Ter (NM_001349612.2); c.1873C>T, p.Arg625Ter (NM_001349613.1); c.1837C>T, p.Arg613Ter (NM_001349614.1, NM_001349615.2, NM_001349616.2); and 1 more; short protein forms R1446*, R1476*, R1552*, R1582*, R493*, R500*, R606*, R613*.
Identifiers: ClinVar variation 1334751 (VCV001334751.8), dbSNP rs2150160606, ClinGen allele CA338143972.